The following is an entry in ClinVar:

ClinVar aggregate classification (germline): Uncertain significance (1 of 4 stars; one submission).

Submission:

Labcorp Genetics (formerly Invitae), Labcorp
Classification: Uncertain significance. Last evaluated: 2023-06-18. Review status: criteria provided, single submitter. Criteria: Invitae Variant Classification Sherloc (09022015). Collection method: clinical testing. Allele origin: germline.
Comment: This sequence change creates a premature translational stop signal (p.Phe4848Leufs*40) in the FAT4 gene. While this is not anticipated to result in nonsense mediated decay, it is expected to disrupt the last 134 amino acid(s) of the FAT4 protein. This variant is not present in population databases (gnomAD no frequency). This variant has not been reported in the literature in individuals affected with FAT4-related conditions. In summary, the available evidence is currently insufficient to determine the role of this variant in disease. Therefore, it has been classified as a Variant of Uncertain Significance.

NM_001291303.3(FAT4):c.14547_14550del (p.Phe4850fs)

Gene: FAT4 (FAT atypical cadherin 4; plus strand). Cytogenetic location: 4q28.1.
Variant type: Deletion.
Coding change: c.14547_14550del on transcript NM_001291303.3 (MANE Select); coding-DNA positions 14547 to 14550, 4 bases deleted (TTTC; older notation c.14547_14550delTTTC).
Protein change: p.Phe4850fs; shifts the reading frame from phenylalanine 4850.
Molecular consequence: frameshift variant.
Genome position (GRCh38, 1-based): chr4:125,491,363-125,491,366, TTTC deleted; deleting any 4 consecutive bases within chr4:125,491,361-125,491,366 gives the same sequence; the c. name uses the placement nearest the transcript's 3' end. VCF-style (leftmost placement, unchanged base first): chr4-125491360-ATCTT-A. GRCh37 (hg19) VCF-style: chr4-126412515-ATCTT-A.
Other names: c.14544_14547del, p.Phe4849fs (NM_001291285.3); c.14541_14544del, p.Phe4848fs (NM_024582.6); short protein forms F4850fs, F4849fs, F4848fs.
Identifiers: ClinVar variation 2719056 (VCV002719056.3), dbSNP rs2530090717, ClinGen allele CA2578191322.
Genomic context (GRCh38, chr4:125,491,360, plus strand): 5'-AAGGAATCCAGCGGATGGCATTCCAGCTCCAGAATCCTCTTCTGATAGTGACTCCCATGA[ATCTT>A]TCACTTGCTCAGAAATGGAATATGACAGGGAGAAGCCAATGGTATATACTTCCAGAATGC-3'